The following is an entry in ClinVar:

NM_020971.3(SPTBN4):c.3490C>T (p.Leu1164=)

Gene: SPTBN4 (spectrin beta, non-erythrocytic 4; plus strand). Cytogenetic location: 19q13.2.
Variant type: single nucleotide variant.
Coding change: c.3490C>T on transcript NM_020971.3 (MANE Select); coding-DNA position 3490, C replaced by T.
Protein change: p.Leu1164=; no amino-acid change (leucine 1164 retained).
Molecular consequence: synonymous variant.
Genome position (GRCh38, 1-based): chr19:40,519,987, C>T. VCF-style: chr19-40519987-C-T. GRCh37 (hg19) VCF-style: chr19-41025894-C-T.
Identifiers: ClinVar variation 2649895 (VCV002649895.22), dbSNP rs2515057004, ClinGen allele CA507497702.
Genomic context (GRCh38, chr19:40,519,987, plus strand): 5'-GAAGACTATGCTCGCATCGTGGCGGCCAGCGAGGCGCTGCTGGCCGCCGACGGCGCAGAG[C>T]TGGGCCCGGGCCTGGCACTAGACGAGTGGCTGCCACACCTCGAACTTGGCTGGCATAAAC-3'
Protein context (NP_066022.2, residues 1154-1174): EALLAADGAE[Leu1164=]GPGLALDEWL

ClinVar aggregate classification (germline): Likely benign (1 of 4 stars; one submission).

Submission:

CeGaT Center for Human Genetics Tuebingen
Classification: Likely benign. Last evaluated: 2023-01-01. Review status: criteria provided, single submitter. Criteria: CeGaT Center For Human Genetics Tuebingen Variant Classification Criteria Version 2. Collection method: clinical testing. Allele origin: germline. Affected: yes. Observed: 1 variant allele.
Comment: SPTBN4: PM2:Supporting, BP4, BP7